The following is an entry in ClinVar:

NM_017780.4(CHD7):c.7633T>G (p.Phe2545Val)

Gene: CHD7 (chromodomain helicase DNA binding protein 7; plus strand). Cytogenetic location: 8q12.2.
Variant type: single nucleotide variant.
Coding change: c.7633T>G on transcript NM_017780.4 (MANE Select); coding-DNA position 7633, T replaced by G.
Protein change: p.Phe2545Val; replaces phenylalanine 2545 with valine.
Molecular consequence: missense variant. On other transcripts: intron variant (1).
Genome position (GRCh38, 1-based): chr8:60,860,928, T>G. VCF-style: chr8-60860928-T-G. GRCh37 (hg19) VCF-style: chr8-61773487-T-G.
Other names: c.1717-1301T>G (NM_001316690.1); short protein forms F2545V.
Identifiers: ClinVar variation 3650262 (VCV003650262.2).
Genomic context (GRCh38, chr8:60,860,928, plus strand): 5'-CGTGTGAGAATTCATACCATTGTGAACTTTCTGCAGGAGGATGCTGAGGTGACCAAAGCT[T>G]TTGAAGAAGATATAGAGACCCCACCAACAAGAAACATTCCTTCTCCCGGACAGCTGGACC-3'
Protein context (NP_060250.2, residues 2535-2555): SAEDAEVTKA[Phe2545Val]EEDIETPPTR

ClinVar aggregate classification (germline): Uncertain significance (1 of 4 stars; one submission).

Conditions:
CHARGE syndrome (CHARGE). Also called: Hittner Hirsch Kreh syndrome; CHARGE ASSOCIATION--COLOBOMA, HEART ANOMALY, CHOANAL ATRESIA, RETARDATION, GENITAL AND EAR ANOMALIES; Coloboma, heart anomaly, choanal atresia, retardation, genital and ear anomalies; CHARGE association; Hall-Hittner syndrome. Identifiers: Orphanet 138, MedGen C0265354, MONDO:0008965.

Submission:

Labcorp Genetics (formerly Invitae), Labcorp
Classification: Uncertain significance for CHARGE syndrome. Last evaluated: 2024-04-17. Review status: criteria provided, single submitter. Criteria: Invitae Variant Classification Sherloc (09022015). Collection method: clinical testing. Allele origin: germline.
Comment: This sequence change replaces phenylalanine, which is neutral and non-polar, with valine, which is neutral and non-polar, at codon 2545 of the CHD7 protein (p.Phe2545Val). This variant is not present in population databases (gnomAD no frequency). This variant has not been reported in the literature in individuals affected with CHD7-related conditions. Advanced modeling of protein sequence and biophysical properties (such as structural, functional, and spatial information, amino acid conservation, physicochemical variation, residue mobility, and thermodynamic stability) performed at Invitae indicates that this missense variant is not expected to disrupt CHD7 protein function with a negative predictive value of 80%. In summary, the available evidence is currently insufficient to determine the role of this variant in disease. Therefore, it has been classified as a Variant of Uncertain Significance.